The following is an entry in ClinVar:

ClinVar aggregate classification (germline): Uncertain significance (1 of 4 stars; one submission).

Submission:

Labcorp Genetics (formerly Invitae), Labcorp
Classification: Uncertain significance. Last evaluated: 2022-01-19. Review status: criteria provided, single submitter. Criteria: Invitae Variant Classification Sherloc (09022015). Collection method: clinical testing. Allele origin: germline.
Comment: Algorithms developed to predict the effect of missense changes on protein structure and function (SIFT, PolyPhen-2, Align-GVGD) all suggest that this variant is likely to be disruptive. In summary, the available evidence is currently insufficient to determine the role of this variant in disease. Therefore, it has been classified as a Variant of Uncertain Significance. This sequence change replaces glycine, which is neutral and non-polar, with arginine, which is basic and polar, at codon 702 of the ADAMTS10 protein (p.Gly702Arg). This variant is not present in population databases (gnomAD no frequency). This variant has not been reported in the literature in individuals affected with ADAMTS10-related conditions.

NM_030957.4(ADAMTS10):c.2104G>C (p.Gly702Arg)

Gene: ADAMTS10 (ADAM metallopeptidase with thrombospondin type 1 motif 10; minus strand). Cytogenetic location: 19p13.2.
Variant type: single nucleotide variant.
Coding change: c.2104G>C on transcript NM_030957.4 (MANE Select); coding-DNA position 2104, G replaced by C.
Protein change: p.Gly702Arg; replaces glycine 702 with arginine.
Molecular consequence: missense variant.
Genome position (GRCh38, 1-based): chr19:8,589,296, C>G on the plus strand (G>C on the coding strand, the complement: ADAMTS10 is on the minus strand). VCF-style: chr19-8589296-C-G. GRCh37 (hg19) VCF-style: chr19-8654180-C-G.
Other names: c.565G>C, p.Gly189Arg (NM_001282352.2); short protein forms G189R, G702R.
Identifiers: ClinVar variation 2087842 (VCV002087842.4), dbSNP rs782780252, ClinGen allele CA403750537.